The following is an entry in ClinVar:

ClinVar aggregate classification (germline): Uncertain significance (1 of 4 stars; one submission).

Allele frequency attached by ClinVar (database versions not stated): gnomAD exomes below 0.00001 and 0.00001; ExAC 0.00001; TOPMed 0.00002.
gnomAD v4.1: 6 of 1,211,295 alleles (0.0005%); highest among the groups gnomAD compares: Admixed American, 0.0022%; no homozygotes.

Submission:

Labcorp Genetics (formerly Invitae), Labcorp
Classification: Uncertain significance. Last evaluated: 2024-01-31. Review status: criteria provided, single submitter. Criteria: Invitae Variant Classification Sherloc (09022015). Collection method: clinical testing. Allele origin: germline.
Comment: This sequence change replaces arginine, which is basic and polar, with histidine, which is basic and polar, at codon 406 of the CLCN5 protein (p.Arg406His). This variant is present in population databases (rs782687340, gnomAD 0.004%). This variant has not been reported in the literature in individuals affected with CLCN5-related conditions. ClinVar contains an entry for this variant (Variation ID: 1365247). Algorithms developed to predict the effect of missense changes on protein structure and function output the following: SIFT: "Not Available"; PolyPhen-2: "Benign"; Align-GVGD: "Not Available". The histidine amino acid residue is found in multiple mammalian species, which suggests that this missense change does not adversely affect protein function. In summary, the available evidence is currently insufficient to determine the role of this variant in disease. Therefore, it has been classified as a Variant of Uncertain Significance.

NM_001127898.4(CLCN5):c.1427G>A (p.Arg476His)

Gene: CLCN5 (chloride voltage-gated channel 5; plus strand). Cytogenetic location: Xp11.23.
Variant type: single nucleotide variant.
Coding change: c.1427G>A on transcript NM_001127898.4 (MANE Select); coding-DNA position 1427, G replaced by A.
Protein change: p.Arg476His; replaces arginine 476 with histidine.
Molecular consequence: missense variant.
Genome position (GRCh38, 1-based): chrX:50,086,740, G>A. VCF-style: chrX-50086740-G-A. GRCh37 (hg19) VCF-style: chrX-49851397-G-A.
Other names: c.1217G>A, p.Arg406His (NM_000084.5); c.1427G>A, p.Arg476His (NM_001127899.4); c.1277G>A, p.Arg426His (NM_001282163.2); short protein forms R426H, R476H, R406H.
Identifiers: ClinVar variation 1365247 (VCV001365247.6), dbSNP rs782687340, ClinGen allele CA10413877.